The following is an entry in ClinVar:

ClinVar aggregate classification (germline): Conflicting classifications of pathogenicity. Review status: criteria provided, conflicting classifications (1 of 4 stars). 4 submissions from 4 submitters: Uncertain significance (1); Likely benign (3). Last evaluated 2026-04-01.

Conditions:
Inborn genetic diseases. Identifiers: MedGen C0950123, MeSH D030342.

Allele frequency attached by ClinVar (database versions not stated): ExAC 0.00011; gnomAD exomes 0.00015; gnomAD 0.00020 and 0.00022; TOPMed 0.00026.
gnomAD v4.1: 315 of 1,464,796 alleles (0.022%); highest among the groups gnomAD compares: Non-Finnish European, 0.027%; no homozygotes.

Submissions (4):

CeGaT Center for Human Genetics Tuebingen
Classification: Likely benign. Last evaluated: 2026-04-01. Review status: criteria provided, single submitter. Criteria: CeGaT Center For Human Genetics Tuebingen Variant Classification Criteria Version 2. Collection method: clinical testing. Allele origin: germline. Affected: yes. Observed: 9 variant alleles.
Comment: CACNA1A: PP3, BS1

Blueprint Genetics
Classification: Likely benign. Last evaluated: 2024-04-01. Review status: criteria provided, single submitter. Criteria: ACMG Guidelines, 2015. Collection method: clinical testing. Allele origin: germline.

Ambry Genetics
Classification: Likely benign for Inborn genetic diseases. Last evaluated: 2021-10-01. Review status: criteria provided, single submitter. Criteria: Ambry Variant Classification Scheme 2023. Collection method: clinical testing. Allele origin: germline.

Athena Diagnostics
Classification: Uncertain significance. Last evaluated: 2019-07-15. Review status: criteria provided, single submitter. Criteria: Athena Diagnostics Criteria. Collection method: clinical testing. Allele origin: germline.

NM_001127222.2(CACNA1A):c.7189G>A (p.Val2397Met)

Gene: CACNA1A (calcium voltage-gated channel subunit alpha1 A; minus strand). Cytogenetic location: 19p13.13.
Variant type: single nucleotide variant.
Coding change: c.7189G>A on transcript NM_001127222.2 (MANE Select); coding-DNA position 7189, G replaced by A.
Protein change: p.Val2397Met; replaces valine 2397 with methionine.
Molecular consequence: missense variant. On other transcripts: 3 prime UTR variant (3).
Genome position (GRCh38, 1-based): chr19:13,207,645, C>T on the plus strand (G>A on the coding strand, the complement: CACNA1A is on the minus strand). VCF-style: chr19-13207645-C-T. GRCh37 (hg19) VCF-style: chr19-13318459-C-T.
Other names: c.*401G>A (NM_000068.4, NM_001127221.2, NM_001174080.2 and 1 more transcripts); c.7207G>A, p.Val2403Met (NM_023035.3); short protein forms V2403M, V2397M.
Identifiers: ClinVar variation 446944 (VCV000446944.48), dbSNP rs768129470, ClinGen allele CA9239205.